The following is an entry in ClinVar:

Conditions:
Breast-ovarian cancer, familial, susceptibility to, 1 (BROVCA1). Also called: BRCA1 Hereditary Breast and Ovarian Cancer; OVARIAN CANCER, SUSCEPTIBILITY TO. Identifiers: Orphanet 145, MedGen C2676676, MONDO:0011450, OMIM 604370. Disease mechanism: loss of function.

Submission:

Brotman Baty Institute, University of Washington
No classification provided (evidence only). Condition: Breast-ovarian cancer, familial 1. Review status: no classification provided. Collection method: in vitro. Allele origin: not applicable. Functional consequence: functionally_normal.
ClinVar note: "not provided" was previously submitted as the classification for the variant. However, the classification appeared to be based only on an observation of functional data so it was converted to no classification on 2025-07-30.

NM_007294.4(BRCA1):c.5193+21A>C

Gene: BRCA1 (BRCA1 DNA repair associated; minus strand). Cytogenetic location: 17q21.31.
Variant type: single nucleotide variant.
Coding change: c.5193+21A>C on transcript NM_007294.4 (MANE Select); 21 bases into the intron after coding-DNA position 5193, A replaced by C.
Molecular consequence: intron variant.
Genome position (GRCh38, 1-based): chr17:43,063,312, T>G on the plus strand (A>C on the coding strand, the complement: BRCA1 is on the minus strand). VCF-style: chr17-43063312-T-G. GRCh37 (hg19) VCF-style: chr17-41215329-T-G.
Other names: c.1671+21A>C (NM_001408490.1, NM_001408489.1, NM_001408482.1 and 5 more transcripts); c.4977+21A>C (NM_001407915.1, NM_001407916.1, NM_001407917.1 and 1 more transcripts); c.4980+21A>C (NM_001407895.1, NM_001407910.1, NM_001407904.1 and 12 more transcripts); c.5046+21A>C (NM_001407853.1, NM_001407843.1, NM_001407847.1 and 12 more transcripts); c.1617+21A>C (NM_001408502.1, NM_001408504.1, NM_001408503.1); c.4857+21A>C (NM_001407951.1, NM_001407954.1, NM_001407952.1 and 3 more transcripts); c.4860+21A>C (NM_001407946.1, NM_001407948.1, NM_001407947.1 and 1 more transcripts); c.1674+21A>C (NM_001408479.1, NM_001408478.1, NM_001408480.1); and 72 more.
Identifiers: ClinVar variation 867810 (VCV000867810.3), dbSNP rs2051849182, ClinGen allele CA916079994.
Genomic context (GRCh38, chr17:43,063,312, plus strand): 5'-ATTGATGGAAGGAAGCAAATACATTTTTAACTATATGACTGAATGAATATCTCTGGTTAG[T>G]TTGTAACATCAAGTACTTACCTCATTCAGCATTTTTCTTTCTTTAATAGACTGGGTCACC-3'